The following is an entry in ClinVar:

NM_001205293.3(CACNA1E):c.6169T>C (p.Ser2057Pro)

Gene: CACNA1E (calcium voltage-gated channel subunit alpha1 E; plus strand). Cytogenetic location: 1q25.3.
Variant type: single nucleotide variant.
Coding change: c.6169T>C on transcript NM_001205293.3 (MANE Select); coding-DNA position 6169, T replaced by C.
Protein change: p.Ser2057Pro; replaces serine 2057 with proline.
Molecular consequence: missense variant.
Genome position (GRCh38, 1-based): chr1:181,795,005, T>C. VCF-style: chr1-181795005-T-C. GRCh37 (hg19) VCF-style: chr1-181764141-T-C.
Other names: c.6040T>C, p.Ser2014Pro (NM_000721.4); c.5983T>C, p.Ser1995Pro (NM_001205294.2); short protein forms S2057P, S1995P, S2014P.
Identifiers: ClinVar variation 1521174 (VCV001521174.8), dbSNP rs2102893427, ClinGen allele CA343632952.

ClinVar aggregate classification (germline): Uncertain significance (1 of 4 stars; one submission).

Submission:

Labcorp Genetics (formerly Invitae), Labcorp
Classification: Uncertain significance. Last evaluated: 2025-02-03. Review status: criteria provided, single submitter. Criteria: Invitae Variant Classification Sherloc (09022015). Collection method: clinical testing. Allele origin: germline.
Comment: This sequence change replaces serine, which is neutral and polar, with proline, which is neutral and non-polar, at codon 2014 of the CACNA1E protein (p.Ser2014Pro). This variant is not present in population databases (gnomAD no frequency). This variant has not been reported in the literature in individuals affected with CACNA1E-related conditions. ClinVar contains an entry for this variant (Variation ID: 1521174). Invitae Evidence Modeling of protein sequence and biophysical properties (such as structural, functional, and spatial information, amino acid conservation, physicochemical variation, residue mobility, and thermodynamic stability) indicates that this missense variant is not expected to disrupt CACNA1E protein function with a negative predictive value of 95%. In summary, the available evidence is currently insufficient to determine the role of this variant in disease. Therefore, it has been classified as a Variant of Uncertain Significance.